The following is an entry in ClinVar:

NM_004415.4(DSP):c.6956G>T (p.Gly2319Val)

Gene: DSP (desmoplakin; plus strand). Cytogenetic location: 6p24.3.
Variant type: single nucleotide variant.
Coding change: c.6956G>T on transcript NM_004415.4 (MANE Select); coding-DNA position 6956, G replaced by T.
Protein change: p.Gly2319Val; replaces glycine 2319 with valine.
Molecular consequence: missense variant.
Genome position (GRCh38, 1-based): chr6:7,584,218, G>T. VCF-style: chr6-7584218-G-T. GRCh37 (hg19) VCF-style: chr6-7584451-G-T.
Other names: c.5159G>T, p.Gly1720Val (NM_001008844.3); c.5627G>T, p.Gly1876Val (NM_001319034.2); short protein forms G1720V, G2319V, G1876V.
Identifiers: ClinVar variation 4792424 (VCV004792424.1).

ClinVar aggregate classification (germline): Uncertain significance (1 of 4 stars; one submission).

Conditions:
Arrhythmogenic cardiomyopathy with wooly hair and keratoderma. Also called: PALMOPLANTAR KERATODERMA WITH LEFT VENTRICULAR CARDIOMYOPATHY AND WOOLLY HAIR; Carvajal syndrome; Dilated cardiomyopathy with woolly hair and keratoderma; Arrhythmogenic cardiomyopathy with woolly hair and keratoderma. Identifiers: Orphanet 65282, MedGen C1854063, MONDO:0011581, OMIM 605676.
Arrhythmogenic right ventricular dysplasia 8 (ARVD8). Also called: Arrhythmogenic Right Ventricular Dysplasia/Cardiomyopathy 8; ARRHYTHMOGENIC RIGHT VENTRICULAR DYSPLASIA, FAMILIAL, 8; ARRHYTHMOGENIC RIGHT VENTRICULAR CARDIOMYOPATHY 8. Identifiers: MedGen C1843896, MONDO:0011831, OMIM 607450.

Submission:

Labcorp Genetics (formerly Invitae), Labcorp
Classification: Uncertain significance for Arrhythmogenic cardiomyopathy with wooly hair and keratoderma; Arrhythmogenic right ventricular dysplasia 8. Last evaluated: 2025-09-28. Review status: criteria provided, single submitter. Criteria: Invitae Variant Classification Sherloc (09022015). Collection method: clinical testing. Allele origin: germline.
Comment: This sequence change replaces glycine, which is neutral and non-polar, with valine, which is neutral and non-polar, at codon 2319 of the DSP protein (p.Gly2319Val). This variant is not present in population databases (gnomAD no frequency). This variant has not been reported in the literature in individuals affected with DSP-related conditions. An algorithm developed to predict the effect of missense changes on protein structure and function (PolyPhen-2) suggests that this variant is likely to be disruptive. In summary, the available evidence is currently insufficient to determine the role of this variant in disease. Therefore, it has been classified as a Variant of Uncertain Significance.